The following is an entry in ClinVar:

NM_031935.3(HMCN1):c.6323G>T (p.Gly2108Val)

Gene: HMCN1 (hemicentin 1; plus strand). Cytogenetic location: 1q31.1.
Variant type: single nucleotide variant.
Coding change: c.6323G>T on transcript NM_031935.3 (MANE Select); coding-DNA position 6323, G replaced by T.
Protein change: p.Gly2108Val; replaces glycine 2108 with valine.
Molecular consequence: missense variant.
Genome position (GRCh38, 1-based): chr1:186,045,706, G>T. VCF-style: chr1-186045706-G-T. GRCh37 (hg19) VCF-style: chr1-186014838-G-T.
Other names: short protein forms G2108V.
Identifiers: ClinVar variation 4737770 (VCV004737770.1).
Genomic context (GRCh38, chr1:186,045,706, plus strand): 5'-CTGGCCTGTTTTATCCTGAAAGAAAACCCATCTTTCATGTAGTTCCGCCAAATATTATGG[G>T]AGAAGAACAGAATGTCTCTGTCCTCATTAGCCAAGCTGTGGAATTACTATGTCAAAGTGA-3'
Protein context (NP_114141.2, residues 2098-2118): LRVYVPPNIM[Gly2108Val]EEQNVSVLIS

ClinVar aggregate classification (germline): Uncertain significance (1 of 4 stars; one submission).

gnomAD v4.1: 22 of 1,613,210 alleles (0.0014%); highest among the groups gnomAD compares: Non-Finnish European, 0.0017%; no homozygotes.

Submission:

Labcorp Genetics (formerly Invitae), Labcorp
Classification: Uncertain significance. Last evaluated: 2025-08-06. Review status: criteria provided, single submitter. Criteria: Invitae Variant Classification Sherloc (09022015). Collection method: clinical testing. Allele origin: germline.
Comment: This sequence change replaces glycine, which is neutral and non-polar, with valine, which is neutral and non-polar, at codon 2108 of the HMCN1 protein (p.Gly2108Val). This variant is present in population databases (rs759697306, gnomAD 0.004%). This variant has not been reported in the literature in individuals affected with HMCN1-related conditions. An algorithm developed to predict the effect of missense changes on protein structure and function (PolyPhen-2) suggests that this variant is likely to be disruptive. Algorithms developed to predict the effect of sequence changes on RNA splicing suggest that this variant may disrupt the consensus splice site. In summary, the available evidence is currently insufficient to determine the role of this variant in disease. Therefore, it has been classified as a Variant of Uncertain Significance.